The following is an entry in ClinVar:

NM_014727.3(KMT2B):c.7300G>T (p.Ala2434Ser)

Gene: KMT2B (lysine methyltransferase 2B; plus strand). Cytogenetic location: 19q13.12.
Variant type: single nucleotide variant.
Coding change: c.7300G>T on transcript NM_014727.3 (MANE Select); coding-DNA position 7300, G replaced by T.
Protein change: p.Ala2434Ser; replaces alanine 2434 with serine.
Molecular consequence: missense variant.
Genome position (GRCh38, 1-based): chr19:35,736,914, G>T. VCF-style: chr19-35736914-G-T. GRCh37 (hg19) VCF-style: chr19-36227815-G-T.
Other names: p.Ala2434Ser; short protein forms A2434S.
Identifiers: ClinVar variation 1720552 (VCV001720552.6), dbSNP rs2513365471, ClinGen allele CA405435839.

ClinVar aggregate classification (germline): Conflicting classifications of pathogenicity. Review status: criteria provided, conflicting classifications (1 of 4 stars). 2 submissions from 2 submitters: Likely pathogenic (1); Uncertain significance (1). Last evaluated 2025-04-24.

Conditions:
Dystonia 28, childhood-onset (DYT28). Also called: KMT2B-Related Dystonia (DYT-KMT2B). Identifiers: Orphanet 589618, MedGen C4310633, MONDO:0015004, OMIM 617284.

Submissions (2):

Molecular Diagnostics Laboratory, M Health Fairview: University of Minnesota
Classification: Likely pathogenic for Dystonia 28, childhood-onset. Last evaluated: 2025-04-24. Review status: criteria provided, single submitter. Criteria: ACMG Guidelines, 2015. Collection method: clinical testing. Allele origin: de novo. Affected: yes.

Labcorp Genetics (formerly Invitae), Labcorp
Classification: Uncertain significance. Last evaluated: 2022-09-28. Review status: criteria provided, single submitter. Criteria: Invitae Variant Classification Sherloc (09022015). Collection method: clinical testing. Allele origin: germline.
Comment: In summary, the available evidence is currently insufficient to determine the role of this variant in disease. Therefore, it has been classified as a Variant of Uncertain Significance. Algorithms developed to predict the effect of missense changes on protein structure and function are either unavailable or do not agree on the potential impact of this missense change (SIFT: "Tolerated"; PolyPhen-2: "Not Available"; Align-GVGD: "Class C0"). This variant has not been reported in the literature in individuals affected with KMT2B-related conditions. This variant is not present in population databases (gnomAD no frequency). This sequence change replaces alanine, which is neutral and non-polar, with serine, which is neutral and polar, at codon 2434 of the KMT2B protein (p.Ala2434Ser).